The following is an entry in ClinVar:

ClinVar aggregate classification (germline): Uncertain significance (1 of 4 stars; one submission).

Conditions:
Inborn genetic diseases. Identifiers: MedGen C0950123, MeSH D030342.

Submission:

Ambry Genetics
Classification: Uncertain significance for Inborn genetic diseases. Last evaluated: 2025-10-07. Review status: criteria provided, single submitter. Criteria: Ambry Variant Classification Scheme 2023. Collection method: clinical testing. Allele origin: germline.
Comment: The c.4826C>T (p.P1609L) alteration is located in exon 30 (coding exon 30) of the CHD3 gene. This alteration results from a C to T substitution at nucleotide position 4826, causing the proline (P) at amino acid position 1609 to be replaced by a leucine (L). Based on data from gnomAD, the T allele has an overall frequency of <0.001% (1/250954) total alleles studied. The highest observed frequency was 0.001% (1/113488) of European (non-Finnish) alleles. Based on insufficient or conflicting evidence, the clinical significance of this alteration remains unclear.

NM_001005273.3(CHD3):c.4649C>T (p.Pro1550Leu)

Gene: CHD3 (chromodomain helicase DNA binding protein 3; plus strand). Cytogenetic location: 17p13.1.
Variant type: single nucleotide variant.
Coding change: c.4649C>T on transcript NM_001005273.3 (MANE Select); coding-DNA position 4649, C replaced by T.
Protein change: p.Pro1550Leu; replaces proline 1550 with leucine.
Molecular consequence: missense variant.
Genome position (GRCh38, 1-based): chr17:7,907,014, C>T. VCF-style: chr17-7907014-C-T. GRCh37 (hg19) VCF-style: chr17-7810332-C-T.
Other names: c.4826C>T, p.Pro1609Leu (NM_001005271.3, NM_001437504.1); c.4814C>T, p.Pro1605Leu (NM_001437507.1, NM_001437508.1, NM_001437509.1); c.4649C>T, p.Pro1550Leu (NM_005852.4); short protein forms P1609L, P1605L, P1550L.
Identifiers: ClinVar variation 4614538 (VCV004614538.1).